The following is an entry in ClinVar:

NM_001365536.1(SCN9A):c.4979T>A (p.Ile1660Asn)

Genes: SCN1A-AS1 (SCN1A and SCN9A antisense RNA 1; plus strand), SCN9A (sodium voltage-gated channel alpha subunit 9; minus strand). Cytogenetic location: 2q24.3.
Variant type: single nucleotide variant.
Coding change: c.4979T>A on transcript NM_001365536.1 (MANE Select); coding-DNA position 4979, T replaced by A.
Protein change: p.Ile1660Asn; replaces isoleucine 1660 with asparagine.
Molecular consequence: missense variant. On other transcripts: non-coding transcript variant (1).
Genome position (GRCh38, 1-based): chr2:166,199,660, A>T on the plus strand (T>A on the coding strand, the complement: SCN9A is on the minus strand). VCF-style: chr2-166199660-A-T. GRCh37 (hg19) VCF-style: chr2-167056170-A-T.
Other names: c.4946T>A, p.Ile1649Asn (NM_002977.4); short protein forms I1649N, I1660N.
Identifiers: ClinVar variation 1972858 (VCV001972858.7), dbSNP rs2468878490, ClinGen allele CA349054996.

ClinVar aggregate classification (germline): Uncertain significance. Review status: criteria provided, multiple submitters, no conflicts (2 of 4 stars). 2 submissions from 2 submitters: Uncertain significance (2). Last evaluated 2025-11-27.

Conditions:
Generalized epilepsy with febrile seizures plus, type 7 (GEFSP7). Also called: GEFS+, TYPE 7. Identifiers: Orphanet 36387, MedGen C2751778, MONDO:0013470, OMIM 613863.
Neuropathy, hereditary sensory and autonomic, type 2A (HSAN2A). Also called: ACROOSTEOLYSIS, GIACCAI TYPE; ACROOSTEOLYSIS, NEUROGENIC; HSAN IIA; MORVAN DISEASE; NEUROPATHY, CONGENITAL SENSORY; NEUROPATHY, HEREDITARY SENSORY RADICULAR, AUTOSOMAL RECESSIVE. Identifiers: Orphanet 970, MedGen C2752089, MONDO:0024309, OMIM 201300.

Submissions (2):

Dasa
Classification: Uncertain significance. Last evaluated: 2025-11-27. Review status: criteria provided, single submitter. Criteria: DASA Assertion Criteria. Collection method: clinical testing. Allele origin: germline.
Comment: NM_001365536.1(SCN9A):c.4979T>A (p.Ile1660Asn) is a missense variant that results in the substitution of isoleucine with asparagine. This variant is absent from population databases. Computational prediction algorithms are consistent with a deleterious effect. The currently available literature and clinical evidence are not sufficient to establish a definitive association between this variant and the reported condition. Therefore, this variant is classified as a variant of uncertain significance.

Labcorp Genetics (formerly Invitae), Labcorp
Classification: Uncertain significance for Neuropathy, hereditary sensory and autonomic, type 2A; Generalized epilepsy with febrile seizures plus, type 7. Last evaluated: 2022-04-04. Review status: criteria provided, single submitter. Criteria: Invitae Variant Classification Sherloc (09022015). Collection method: clinical testing. Allele origin: germline.
Comment: In summary, the available evidence is currently insufficient to determine the role of this variant in disease. Therefore, it has been classified as a Variant of Uncertain Significance. Algorithms developed to predict the effect of missense changes on protein structure and function (SIFT, PolyPhen-2, Align-GVGD) all suggest that this variant is likely to be disruptive. This variant has not been reported in the literature in individuals affected with SCN9A-related conditions. This variant is not present in population databases (gnomAD no frequency). This sequence change replaces isoleucine, which is neutral and non-polar, with asparagine, which is neutral and polar, at codon 1649 of the SCN9A protein (p.Ile1649Asn).